The following is an entry in ClinVar:

NM_030632.3(ASXL3):c.1418T>A (p.Ile473Lys)

Gene: ASXL3 (ASXL transcriptional regulator 3; plus strand). Cytogenetic location: 18q12.1.
Variant type: single nucleotide variant.
Coding change: c.1418T>A on transcript NM_030632.3 (MANE Select); coding-DNA position 1418, T replaced by A.
Protein change: p.Ile473Lys; replaces isoleucine 473 with lysine.
Molecular consequence: missense variant.
Genome position (GRCh38, 1-based): chr18:33,738,822, T>A. VCF-style: chr18-33738822-T-A. GRCh37 (hg19) VCF-style: chr18-31318786-T-A.
Other names: short protein forms I473K.
Identifiers: ClinVar variation 1306446 (VCV001306446.2), dbSNP rs375833448, ClinGen allele CA402175274.
Genomic context (GRCh38, chr18:33,738,822, plus strand): 5'-AAATTGCAGAAGAGGTAGAGACTAGTATCTGTGAATGCCAGGATGAAAATCATAAGACAA[T>A]ACCTGAATTTTCTGAGGAGGCTGAAAGTCTAACCAATTCTCATGAAGAACCCCAAATAGC-3'
Protein context (NP_085135.1, residues 463-483): CECQDENHKT[Ile473Lys]PEFSEEAESL

ClinVar aggregate classification (germline): Uncertain significance (1 of 4 stars; one submission).

gnomAD v4.1: 1 of 1,613,442 alleles (0.000062%); highest among the groups gnomAD compares: African/African-American, 0.0013%; no homozygotes.

Submission:

GeneDx
Classification: Uncertain significance. Last evaluated: 2019-06-24. Review status: criteria provided, single submitter. Criteria: GeneDx Variant Classification Process June 2021. Collection method: clinical testing. Allele origin: germline. Affected: yes.
Comment: Not observed in large population cohorts (Lek et al., 2016); In silico analysis, which includes protein predictors and evolutionary conservation, supports that this variant does not alter protein structure/function; Has not been previously published as pathogenic or benign to our knowledge